The following is an entry in ClinVar:

NM_015346.4(ZFYVE26):c.5321G>C (p.Gly1774Ala)

Gene: ZFYVE26 (zinc finger FYVE-type containing 26; minus strand). Cytogenetic location: 14q24.1.
Variant type: single nucleotide variant.
Coding change: c.5321G>C on transcript NM_015346.4 (MANE Select); coding-DNA position 5321, G replaced by C.
Protein change: p.Gly1774Ala; replaces glycine 1774 with alanine.
Molecular consequence: missense variant.
Genome position (GRCh38, 1-based): chr14:67,772,210, C>G on the plus strand (G>C on the coding strand, the complement: ZFYVE26 is on the minus strand). VCF-style: chr14-67772210-C-G. GRCh37 (hg19) VCF-style: chr14-68238927-C-G.
Other names: short protein forms G1774A.
Identifiers: ClinVar variation 1699686 (VCV001699686.2), dbSNP rs756963060, ClinGen allele CA7239521.

ClinVar aggregate classification (germline): Uncertain significance (1 of 4 stars; one submission).

Allele frequency attached by ClinVar (database versions not stated): gnomAD exomes below 0.00001.
gnomAD v4.1: 2 of 1,612,098 alleles (0.00012%); highest among the groups gnomAD compares: Middle Eastern, 0.017%; no homozygotes.

Submission:

GeneDx
Classification: Uncertain significance. Last evaluated: 2022-01-31. Review status: criteria provided, single submitter. Criteria: GeneDx Variant Classification Process June 2021. Collection method: clinical testing. Allele origin: germline. Affected: yes.
Comment: Not observed at significant frequency in large population cohorts (gnomAD); In silico analysis supports that this missense variant does not alter protein structure/function; Has not been previously published as pathogenic or benign to our knowledge